The following is an entry in ClinVar:

ClinVar aggregate classification (germline): Uncertain significance (1 of 4 stars; one submission).

Submission:

Women's Health and Genetics/Laboratory Corporation of America, LabCorp
Classification: Uncertain significance. Last evaluated: 2019-03-07. Review status: criteria provided, single submitter. Criteria: LabCorp Variant Classification Summary - May 2015. Collection method: clinical testing. Allele origin: germline.
Comment: Variant summary: The variant, SMN1 c.835-21C>A is located at a position not widely known to affect splicing. 5/5 computational tools predict no significant impact on normal splicing. However, these predictions have yet to be confirmed by functional studies. The variant was absent in 242804 control chromosomes (gnomAD). The available data on variant occurrences in the general population are insufficient to allow any conclusion about variant significance. To our knowledge, no occurrence of c.835-21C>A in individuals affected with Spinal Muscular Atrophy and no experimental evidence demonstrating its impact on protein function have been reported. No clinical diagnostic laboratories have submitted clinical-significance assessments for this variant to ClinVar after 2014. Based on the evidence outlined above, the variant was classified as VUS-possibly benign.

NM_000344.4(SMN1):c.835-21C>A

Gene: SMN1 (survival of motor neuron 1, telomeric). Cytogenetic location: 5q13.2.
Variant type: single nucleotide variant.
Coding change: c.835-21C>A on transcript NM_000344.4 (MANE Select); 21 bases into the intron before coding-DNA position 835, C replaced by A.
Molecular consequence: intron variant.
Genome position (GRCh38, 1-based): chr5:70,951,920, C>A. VCF-style: chr5-70951920-C-A. GRCh37 (hg19) VCF-style: chr5-70247747-C-A.
Other names: c.835-519C>A (NM_001297715.1); c.739-21C>A (NM_022874.2).
Identifiers: ClinVar variation 928623 (VCV000928623.1), dbSNP rs1292776799, ClinGen allele CA1139658876.
Genomic context (GRCh38, chr5:70,951,920, plus strand): 5'-AACATCCATATAAAGCTATCTATATATAGCTATCTATGTCTATATAGCTATTTTTTTTAA[C>A]TTCCTTTATTTTCCTTACAGGGTTTCAGACAAAATCAAAAAGAAGGAAGGTGCTCACATT-3'